The following is an entry in ClinVar:

NM_001242.5(CD27):c.175G>A (p.Ala59Thr)

Genes: CD27 (CD27 molecule; plus strand), CD27-AS1 (CD27 antisense RNA 1; minus strand). Cytogenetic location: 12p13.31.
Variant type: single nucleotide variant.
Coding change: c.175G>A on transcript NM_001242.5 (MANE Select); coding-DNA position 175, G replaced by A.
Protein change: p.Ala59Thr; replaces alanine 59 with threonine.
Molecular consequence: missense variant.
Genome position (GRCh38, 1-based): chr12:6,445,462, G>A. VCF-style: chr12-6445462-G-A. GRCh37 (hg19) VCF-style: chr12-6554628-G-A.
Other names: p.Ala59Thr; short protein forms A59T.
Identifiers: ClinVar variation 1168241 (VCV001168241.15), dbSNP rs25680, ClinGen allele CA6406898.

ClinVar aggregate classification (germline): Benign/Likely benign. Review status: criteria provided, multiple submitters, no conflicts (2 of 4 stars). 6 submissions from 6 submitters: Benign (5); Likely benign (1). Last evaluated 2026-02-04.

Conditions:
Lymphoproliferative syndrome 2 (LPFS2). Also called: Combined immunodeficiency due to CD27 deficiency; CD27 DEFICIENCY. Identifiers: Orphanet 238505, MedGen C3554540, MONDO:0014054, OMIM 615122.

Allele frequency attached by ClinVar (database versions not stated): 1000 Genomes Project 30x 0.16693; 1000 Genomes Project 0.16753; TOPMed 0.18591; gnomAD exomes 0.19058 and 0.22276; gnomAD 0.19215 and 0.19369; ExAC 0.19783; ESP Exome Variant Server 0.21175.

Submissions (6):

Labcorp Genetics (formerly Invitae), Labcorp
Classification: Benign for Lymphoproliferative syndrome 2. Last evaluated: 2026-02-04. Review status: criteria provided, single submitter. Criteria: Invitae Variant Classification Sherloc (09022015). Collection method: clinical testing. Allele origin: germline.

Blueprint Genetics
Classification: Likely benign. Last evaluated: 2024-11-27. Review status: criteria provided, single submitter. Criteria: ACMG Guidelines, 2015. Collection method: clinical testing. Allele origin: germline.

Unidad de Genómica Garrahan, Hospital de Pediatría Garrahan
Classification: Benign. Last evaluated: 2023-11-12. Review status: criteria provided, single submitter. Criteria: ACMG Guidelines, 2015. Collection method: clinical testing. Allele origin: germline. Affected: no. Observed: 24 variant alleles.
Comment: This variant is classified as Benign based on local population frequency. This variant was detected in 25% of patients studied by a panel of primary immunodeficiencies. Number of patients: 24. Only high quality variants are reported.

GeneDx
Classification: Benign. Last evaluated: 2018-11-10. Review status: criteria provided, single submitter. Criteria: GeneDx Variant Classification Process June 2021. Collection method: clinical testing. Allele origin: germline. Affected: yes.

Mayo Clinic Laboratories, Mayo Clinic
Classification: Benign. Last evaluated: 2018-03-22. Review status: criteria provided, single submitter. Criteria: ACMG Guidelines, 2015. Collection method: clinical testing. Allele origin: germline. Observed: 177 variant alleles.

Breakthrough Genomics
Classification: Benign. Review status: criteria provided, single submitter. Criteria: ACMG Guidelines, 2015. Collection method: not provided. Allele origin: germline. Inheritance: Autosomal recessive inheritance. Affected: yes.